The following is an entry in ClinVar:

NM_053025.4(MYLK):c.754+6G>A

Gene: MYLK (myosin light chain kinase; minus strand). Cytogenetic location: 3q21.1.
Variant type: single nucleotide variant.
Coding change: c.754+6G>A on transcript NM_053025.4 (MANE Select); 6 bases into the intron after coding-DNA position 754, G replaced by A.
Molecular consequence: intron variant.
Genome position (GRCh38, 1-based): chr3:123,737,372, C>T on the plus strand (G>A on the coding strand, the complement: MYLK is on the minus strand). VCF-style: chr3-123737372-C-T. GRCh37 (hg19) VCF-style: chr3-123456219-C-T.
Other names: c.226+6G>A (NM_001321309.2); c.754+6G>A (NM_053028.4, NM_053026.4, NM_053027.4).
Identifiers: ClinVar variation 1015207 (VCV001015207.4), dbSNP rs528165593, ClinGen allele CA073563.

ClinVar aggregate classification (germline): Uncertain significance (1 of 4 stars; one submission).

Conditions:
Aortic aneurysm, familial thoracic 7 (AAT7). Also called: AORTIC DISSECTION, FAMILIAL, WITH OR WITHOUT AORTIC ANEURYSM. Identifiers: MedGen C3151077, MONDO:0013418, OMIM 613780.

Allele frequency attached by ClinVar (database versions not stated): TOPMed below 0.00001; gnomAD 0.00001; ExAC 0.00002; gnomAD exomes 0.00002; 1000 Genomes Project 30x 0.00016; 1000 Genomes Project 0.00020.
gnomAD v4.1: 41 of 1,614,094 alleles (0.0025%); highest among the groups gnomAD compares: Non-Finnish European, 0.0031%; no homozygotes.

Submission:

Labcorp Genetics (formerly Invitae), Labcorp
Classification: Uncertain significance for Aortic aneurysm, familial thoracic 7. Last evaluated: 2025-09-11. Review status: criteria provided, single submitter. Criteria: Invitae Variant Classification Sherloc (09022015). Collection method: clinical testing. Allele origin: germline.
Comment: This sequence change falls in intron 8 of the MYLK gene. It does not directly change the encoded amino acid sequence of the MYLK protein. It affects a nucleotide within the consensus splice site. This variant is present in population databases (rs528165593, gnomAD 0.008%). This variant has not been reported in the literature in individuals affected with MYLK-related conditions. ClinVar contains an entry for this variant (Variation ID: 1015207). Variants that disrupt the consensus splice site are a relatively common cause of aberrant splicing (PMID: 17576681, 9536098). Algorithms developed to predict the effect of sequence changes on RNA splicing suggest that this variant is not likely to affect RNA splicing. In summary, the available evidence is currently insufficient to determine the role of this variant in disease. Therefore, it has been classified as a Variant of Uncertain Significance.

Literature cited by the submitters: PubMed 17576681; PubMed 9536098.